The following is an entry in ClinVar:

NM_024496.4(IRF2BPL):c.1486C>T (p.Pro496Ser)

Gene: IRF2BPL (interferon regulatory factor 2 binding protein like; minus strand). Cytogenetic location: 14q24.3.
Variant type: single nucleotide variant.
Coding change: c.1486C>T on transcript NM_024496.4 (MANE Select); coding-DNA position 1486, C replaced by T.
Protein change: p.Pro496Ser; replaces proline 496 with serine.
Molecular consequence: missense variant.
Genome position (GRCh38, 1-based): chr14:77,026,307, G>A on the plus strand (C>T on the coding strand, the complement: IRF2BPL is on the minus strand). VCF-style: chr14-77026307-G-A. GRCh37 (hg19) VCF-style: chr14-77492650-G-A.
Other names: c.1486C>T (NM_024496.3); short protein forms P496S.
Identifiers: ClinVar variation 3110852 (VCV003110852.3), dbSNP rs867708241, ClinGen allele CA263778073.

ClinVar aggregate classification (germline): Conflicting classifications of pathogenicity. Review status: criteria provided, conflicting classifications (1 of 4 stars). 3 submissions from 3 submitters: Likely pathogenic (1); Uncertain significance (2). Last evaluated 2025-08-26.

Conditions:
Inborn genetic diseases. Identifiers: MedGen C0950123, MeSH D030342.
Neurodevelopmental disorder with regression, abnormal movements, loss of speech, and seizures. Identifiers: Orphanet 597623, MedGen C4748127, MONDO:0060759, OMIM 618088.
IRF2BPL-related disorder. Also called: IRF2BPL-related condition. Identifiers: MedGen CN381093.

Submissions (3):

PreventionGenetics, part of Exact Sciences
Classification: Uncertain significance for IRF2BPL-related condition. Last evaluated: 2025-08-26. Review status: criteria provided, single submitter. Criteria: ACMG Guidelines, 2015. Collection method: clinical testing. Allele origin: germline.
Comment: The IRF2BPL c.1486C>T variant is predicted to result in the amino acid substitution p.Pro496Ser. To our knowledge, this variant has not been reported in the literature. This variant is reported in 0.0067% of alleles in individuals of European (Finnish) descent in gnomAD. At this time, the clinical significance of this variant is uncertain due to the absence of conclusive functional and genetic evidence.

Ambry Genetics
Classification: Uncertain significance for Inborn genetic diseases. Last evaluated: 2023-10-16. Review status: criteria provided, single submitter. Criteria: Ambry Variant Classification Scheme 2023. Collection method: clinical testing. Allele origin: germline.

Groupe Hospitalier Pitie Salpetriere, Uf Genomique Du Developpement, Assistance Publique Hopitaux de Paris Sorbonne Université
Classification: Likely pathogenic for Neurodevelopmental disorder with regression, abnormal movements, loss of speech, and seizures. Last evaluated: 2023-01-01. Review status: criteria provided, single submitter. Criteria: ACMG Guidelines, 2015. Collection method: clinical testing. Allele origin: germline. Affected: yes.
Comment: This variant is found de novo (PS2), absent or extremely rare in population databases (PM2_supp) and multiple lines of computational evidence support a deleterious effect on the gene or gene product (PP3)